The following is an entry in ClinVar:

ClinVar aggregate classification (germline): Uncertain significance. Review status: criteria provided, multiple submitters, no conflicts (2 of 4 stars). 2 submissions from 2 submitters: Uncertain significance (2). Last evaluated 2025-10-27.

Conditions:
Hereditary cancer-predisposing syndrome. Also called: Hereditary Cancer Syndrome; Hereditary neoplastic syndrome; Neoplastic Syndromes, Hereditary; Tumor predisposition. Identifiers: Orphanet 140162, MedGen C0027672, MeSH D009386, MONDO:0015356.
Familial adenomatous polyposis 1 (FAP1). Also called: FAMILIAL ADENOMATOUS POLYPOSIS 1, ATTENUATED; POLYPOSIS, ADENOMATOUS INTESTINAL. Identifiers: MedGen C2713442, MONDO:0021056, OMIM 175100. Disease mechanism: loss of function.

Allele frequency attached by ClinVar (database versions not stated): gnomAD exomes below 0.00001.
gnomAD v4.1: 1 of 1,613,930 alleles (0.000062%); highest among the groups gnomAD compares: Non-Finnish European, 0.000085%; no homozygotes.

Submissions (2):

Labcorp Genetics (formerly Invitae), Labcorp
Classification: Uncertain significance for Familial adenomatous polyposis 1. Last evaluated: 2025-10-27. Review status: criteria provided, single submitter. Criteria: Invitae Variant Classification Sherloc (09022015). Collection method: clinical testing. Allele origin: germline.
Comment: This sequence change replaces asparagine, which is neutral and polar, with isoleucine, which is neutral and non-polar, at codon 1953 of the APC protein (p.Asn1953Ile). This variant is not present in population databases (gnomAD no frequency). This variant has not been reported in the literature in individuals affected with APC-related conditions. ClinVar contains an entry for this variant (Variation ID: 1750100). Invitae Evidence Modeling of protein sequence and biophysical properties (such as structural, functional, and spatial information, amino acid conservation, physicochemical variation, residue mobility, and thermodynamic stability) indicates that this missense variant is not expected to disrupt APC protein function with a negative predictive value of 95%. In summary, the available evidence is currently insufficient to determine the role of this variant in disease. Therefore, it has been classified as a Variant of Uncertain Significance.

Ambry Genetics
Classification: Uncertain significance for Hereditary cancer-predisposing syndrome. Last evaluated: 2022-05-12. Review status: criteria provided, single submitter. Criteria: Ambry Variant Classification Scheme 2023. Collection method: clinical testing. Allele origin: germline.
Comment: The p.N1953I variant (also known as c.5858A>T), located in coding exon 15 of the APC gene, results from an A to T substitution at nucleotide position 5858. The asparagine at codon 1953 is replaced by isoleucine, an amino acid with dissimilar properties. This amino acid position is conserved. In addition, in silico predictors for this gene do not accurately predict pathogenicity. Since supporting evidence is limited at this time, the clinical significance of this alteration remains unclear.

NM_000038.6(APC):c.5858A>T (p.Asn1953Ile)

Gene: APC (APC regulator of Wnt signaling pathway; plus strand). Cytogenetic location: 5q22.2.
Variant type: single nucleotide variant.
Coding change: c.5858A>T on transcript NM_000038.6 (MANE Select); coding-DNA position 5858, A replaced by T.
Protein change: p.Asn1953Ile; replaces asparagine 1953 with isoleucine.
Molecular consequence: missense variant.
Genome position (GRCh38, 1-based): chr5:112,841,452, A>T. VCF-style: chr5-112841452-A-T. GRCh37 (hg19) VCF-style: chr5-112177149-A-T.
Other names: c.5858A>T, p.Asn1953Ile (NM_001127510.3, NM_001354895.2, NM_001407450.1); c.5804A>T, p.Asn1935Ile (NM_001127511.3); c.5912A>T, p.Asn1971Ile (NM_001354896.2, NM_001407447.1, NM_001407448.1 and 1 more transcripts); c.5888A>T, p.Asn1963Ile (NM_001354897.2); c.5783A>T, p.Asn1928Ile (NM_001354898.2); c.5774A>T, p.Asn1925Ile (NM_001354899.2); c.5735A>T, p.Asn1912Ile (NM_001354900.2); c.5681A>T, p.Asn1894Ile (NM_001354901.2, NM_001407453.1); and 11 more; short protein forms N1569I, N1670I, N1793I, N1852I, N1928I, N1963I, N1971I, N1824I.
Identifiers: ClinVar variation 1750100 (VCV001750100.5), dbSNP rs2533672700, ClinGen allele CA16034149.